The following is an entry in ClinVar:

NM_001939.3(DRP2):c.671G>A (p.Arg224His)

Gene: DRP2 (dystrophin related protein 2; plus strand). Cytogenetic location: Xq22.1.
Variant type: single nucleotide variant.
Coding change: c.671G>A on transcript NM_001939.3 (MANE Select); coding-DNA position 671, G replaced by A.
Protein change: p.Arg224His; replaces arginine 224 with histidine.
Molecular consequence: missense variant.
Genome position (GRCh38, 1-based): chrX:101,241,779, G>A. VCF-style: chrX-101241779-G-A. GRCh37 (hg19) VCF-style: chrX-100496768-G-A.
Other names: c.671G>A (NM_001939.2); c.437G>A, p.Arg146His (NM_001171184.2); short protein forms R146H, R224H.
Identifiers: ClinVar variation 1393781 (VCV001393781.10), dbSNP rs748759701, ClinGen allele CA10472120.

ClinVar aggregate classification (germline): Uncertain significance. Review status: criteria provided, multiple submitters, no conflicts (2 of 4 stars). 2 submissions from 2 submitters: Uncertain significance (2). Last evaluated 2025-10-01.

Allele frequency attached by ClinVar (database versions not stated): gnomAD 0.00001; ExAC 0.00002; gnomAD exomes 0.00002; TOPMed 0.00008.
gnomAD v4.1: 25 of 1,209,895 alleles (0.0021%); highest among the groups gnomAD compares: South Asian, 0.0035%; no homozygotes.

Submissions (2):

Labcorp Genetics (formerly Invitae), Labcorp
Classification: Uncertain significance. Last evaluated: 2025-10-01. Review status: criteria provided, single submitter. Criteria: Invitae Variant Classification Sherloc (09022015). Collection method: clinical testing. Allele origin: germline.
Comment: This sequence change replaces arginine, which is basic and polar, with histidine, which is basic and polar, at codon 224 of the DRP2 protein (p.Arg224His). This variant is present in population databases (rs748759701, gnomAD 0.005%). This variant has not been reported in the literature in individuals affected with DRP2-related conditions. ClinVar contains an entry for this variant (Variation ID: 1393781). Invitae Evidence Modeling of protein sequence and biophysical properties (such as structural, functional, and spatial information, amino acid conservation, physicochemical variation, residue mobility, and thermodynamic stability) indicates that this missense variant is not expected to disrupt DRP2 protein function with a negative predictive value of 80%. In summary, the available evidence is currently insufficient to determine the role of this variant in disease. Therefore, it has been classified as a Variant of Uncertain Significance.

Ambry Genetics
Classification: Uncertain significance. Last evaluated: 2024-04-01. Review status: criteria provided, single submitter. Criteria: Ambry Variant Classification Scheme 2023. Collection method: clinical testing. Allele origin: germline.